The following is an entry in ClinVar:

ClinVar aggregate classification (germline): Uncertain significance (1 of 4 stars; one submission).

Conditions:
Granulomatous disease, chronic, autosomal recessive, cytochrome b-positive, type 3. Also called: GRANULOMATOUS DISEASE, CHRONIC, DUE TO NCF4 DEFICIENCY; GRANULOMATOUS DISEASE, CHRONIC, AUTOSOMAL RECESSIVE, 3; CGD, AUTOSOMAL RECESSIVE CYTOCHROME b-POSITIVE, TYPE III; Granulomatous disease, chronic, autosomal recessive, cytochrome b-positive, type III. Identifiers: Orphanet 379, MedGen C3151409, MONDO:0013507, OMIM 613960.

Allele frequency attached by ClinVar (database versions not stated): gnomAD exomes below 0.00001; TOPMed below 0.00001; gnomAD 0.00001.
gnomAD v4.1: 2 of 1,613,974 alleles (0.00012%); highest among the groups gnomAD compares: Non-Finnish European, 0.00017%; no homozygotes.

Submission:

Labcorp Genetics (formerly Invitae), Labcorp
Classification: Uncertain significance for Granulomatous disease, chronic, autosomal recessive, cytochrome b-positive, type 3. Last evaluated: 2022-08-19. Review status: criteria provided, single submitter. Criteria: Invitae Variant Classification Sherloc (09022015). Collection method: clinical testing. Allele origin: germline.
Comment: In summary, the available evidence is currently insufficient to determine the role of this variant in disease. Therefore, it has been classified as a Variant of Uncertain Significance. Algorithms developed to predict the effect of missense changes on protein structure and function (SIFT, PolyPhen-2, Align-GVGD) all suggest that this variant is likely to be tolerated. This variant has not been reported in the literature in individuals affected with NCF4-related conditions. This variant is not present in population databases (gnomAD no frequency). This sequence change replaces alanine, which is neutral and non-polar, with threonine, which is neutral and polar, at codon 261 of the NCF4 protein (p.Ala261Thr).

NM_000631.5(NCF4):c.758+23G>A

Gene: NCF4 (neutrophil cytosolic factor 4; plus strand). Cytogenetic location: 22q12.3.
Variant type: single nucleotide variant.
Coding change: c.758+23G>A on transcript NM_000631.5 (MANE Select); 23 bases into the intron after coding-DNA position 758, G replaced by A.
Molecular consequence: intron variant. On other transcripts: missense variant (1).
Genome position (GRCh38, 1-based): chr22:36,875,806, G>A. VCF-style: chr22-36875806-G-A. GRCh37 (hg19) VCF-style: chr22-37271848-G-A.
Other names: c.781G>A, p.Ala261Thr (NM_013416.4); short protein forms A261T.
Identifiers: ClinVar variation 2068032 (VCV002068032.4), dbSNP rs1354303279, ClinGen allele CA411389193.
Genomic context (GRCh38, chr22:36,875,806, plus strand): 5'-CGTTGCTACTACTACGAAGACACCATCAGCACCATCAAGTCTGTGGCCTGGGAGGGAGGG[G>A]CCTGTCCAGCCTTCCTGCCATCCCTACGACCACTGCCCCTCACATCACCTTCTCATGGGT-3'